The following is an entry in ClinVar:

ClinVar aggregate classification (germline): Conflicting classifications of pathogenicity. Review status: criteria provided, conflicting classifications (1 of 4 stars). 10 submissions from 10 submitters: Uncertain significance (6); Likely benign (2). 2 of the submissions do not count toward it. Last evaluated 2026-02-02.

Conditions:
MMACHC-related disorder. Also called: MMACHC-related condition.
Cobalamin C disease. Also called: Vitamin B12 metabolic defect with combined deficiency of methylmalonyl-CoA mutase and homocysteine:methyltetrahydrofolate methyltransferase; Methylmalonic aciduria and homocystinuria, Vitamin B12-responsive; Methylmalonic aciduria with homocystinuria cblC type; Cobalamin-C methylmalonic acidemia and homocystinuria; Methylmalonic acidemia and homocystinuria cblC type; methylmalonic aciduria and homocystinuria type cblC. Identifiers: Orphanet 26, Orphanet 79282, MedGen C1848561, MONDO:0010184, OMIM 277400.

Submissions (10):

Labcorp Genetics (formerly Invitae), Labcorp
Classification: Likely benign for Cobalamin C disease. Last evaluated: 2026-02-02. Review status: criteria provided, single submitter. Criteria: Invitae Variant Classification Sherloc (09022015). Collection method: clinical testing. Allele origin: germline.

Blueprint Genetics
Classification: Uncertain significance. Last evaluated: 2024-11-22. Review status: criteria provided, single submitter. Criteria: ACMG Guidelines, 2015. Collection method: clinical testing. Allele origin: germline.

GeneDx
Classification: Uncertain significance. Last evaluated: 2024-07-29. Review status: criteria provided, single submitter. Criteria: GeneDx Variant Classification Process June 2021. Collection method: clinical testing. Allele origin: germline. Affected: yes.
Comment: Not observed at significant frequency in large population cohorts (gnomAD); In-frame deletion of 2 amino acids in a non-repeat region; In silico analysis indicates that this variant does not alter protein structure/function; Has not been previously published as pathogenic or benign to our knowledge; This variant is associated with the following publications: (PMID: 34426522, 26990548)

Revvity Omics, Revvity
Classification: Likely benign for Cobalamin C disease. Last evaluated: 2022-12-13. Review status: criteria provided, single submitter. Criteria: ACMG Guidelines, 2015. Collection method: clinical testing. Allele origin: germline.

Pars Genome Lab
Classification: Uncertain significance for Cobalamin C disease. Last evaluated: 2021-05-18. Review status: criteria provided, single submitter. Criteria: ACMG Guidelines, 2015. Collection method: clinical testing. Allele origin: germline. Affected: no.

Department of Pathology and Laboratory Medicine, Sinai Health System
Classification: Uncertain significance for methylmalonic aciduria and homocystinuria type cblC. Last evaluated: 2020-04-30. Review status: criteria provided, single submitter. Criteria: ACMG Guidelines, 2015. Collection method: research. Allele origin: germline.

Baylor Genetics
Classification: Uncertain significance for Cobalamin C disease. Last evaluated: 2018-10-11. Review status: criteria provided, single submitter. Criteria: ACMG Guidelines, 2015. Collection method: clinical testing. Allele origin: unknown. Affected: yes.
Comment: This variant was determined to be of uncertain significance according to ACMG Guidelines, 2015 [PMID:25741868].

CeGaT Center for Human Genetics Tuebingen
Classification: Uncertain significance. Last evaluated: 2017-02-01. Review status: criteria provided, single submitter. Criteria: CeGaT Center For Human Genetics Tuebingen Variant Classification Criteria Version 2. Collection method: clinical testing. Allele origin: germline. Affected: yes. Observed: 1 variant allele.

PreventionGenetics, part of Exact Sciences
Classification: Likely benign for MMACHC-related condition. Last evaluated: 2024-07-23. Review status: no assertion criteria provided. Collection method: clinical testing. Allele origin: germline. Not counted in ClinVar's aggregate classification.
Comment: This variant is classified as likely benign based on ACMG/AMP sequence variant interpretation guidelines (Richards et al. 2015 PMID: 25741868, with internal and published modifications).

Inserm U 954, Faculté de Médecine de Nancy
No classification provided. Review status: no classification provided. Collection method: not provided. Allele origin: unknown. Not counted in ClinVar's aggregate classification.

NM_015506.3(MMACHC):c.766_771del (p.Ala256_Pro257del)

Gene: MMACHC (metabolism of cobalamin associated C; plus strand). Cytogenetic location: 1p34.1.
Variant type: Deletion.
Coding change: c.766_771del on transcript NM_015506.3 (MANE Select); coding-DNA positions 766 to 771, 6 bases deleted (GCCCCC; older notation c.766_771delGCCCCC).
Protein change: p.Ala256_Pro257del.
Molecular consequence: inframe deletion.
Genome position (GRCh38, 1-based): chr1:45,509,132-45,509,137, GCCCCC deleted; deleting any 6 consecutive bases within chr1:45,509,129-45,509,137 gives the same sequence; the c. name uses the placement nearest the transcript's 3' end. VCF-style (leftmost placement, unchanged base first): chr1-45509128-ACCCGCC-A. GRCh37 (hg19) VCF-style: chr1-45974800-ACCCGCC-A.
Other names: c.595_600del, p.Ala199_Pro200del (NM_001330540.2); c.763_768del (NM_015506.3); c.766_771del6 (NM_015506.2).
Identifiers: ClinVar variation 208197 (VCV000208197.44), dbSNP rs796064513, ClinGen allele CA275945.
Genomic context (GRCh38, chr1:45,509,128, plus strand): 5'-GGGCTTGGCTCAGCCCTCAGAGAAGCCTAGTTCTCCCTCCCCGGACCTTCCCTTTACCAC[ACCCGCC>A]CCCAAGAAGCCTGGGAATCCCAGCAGAGCCCGGAGCTGGCTCAGCCCCAGGGTCTCACCA-3'